The following is an entry in ClinVar:

ClinVar aggregate classification (germline): Uncertain significance. Review status: criteria provided, multiple submitters, no conflicts (2 of 4 stars). 2 submissions from 2 submitters: Uncertain significance (2). Last evaluated 2026-04-14.

Conditions:
Cardiovascular phenotype. Identifiers: MedGen CN230736.
ABCG5-related disorder. Also called: ABCG5-related condition.

Allele frequency attached by ClinVar (database versions not stated): gnomAD exomes 0.00001; ESP Exome Variant Server 0.00008; TOPMed below 0.00001; ExAC 0.00001.
gnomAD v4.1: 19 of 1,614,066 alleles (0.0012%); highest among the groups gnomAD compares: East Asian, 0.0045%; no homozygotes.

Submissions (2):

PreventionGenetics, part of Exact Sciences
Classification: Uncertain significance for ABCG5-related condition. Last evaluated: 2026-04-14. Review status: criteria provided, single submitter. Criteria: ACMG Guidelines, 2015. Collection method: clinical testing. Allele origin: germline.
Comment: The ABCG5 c.893T>C variant is predicted to result in the amino acid substitution p.Phe298Ser. To our knowledge, this variant has not been reported in the literature. This variant is reported in 0.0018% of alleles in individuals of European (Non-Finnish) descent in gnomAD. At this time, the clinical significance of this variant is uncertain due to the absence of conclusive functional and genetic evidence.

Ambry Genetics
Classification: Uncertain significance for Cardiovascular phenotype. Last evaluated: 2023-03-03. Review status: criteria provided, single submitter. Criteria: Ambry Variant Classification Scheme 2023. Collection method: clinical testing. Allele origin: germline.
Comment: The p.F298S variant (also known as c.893T>C), located in coding exon 7 of the ABCG5 gene, results from a T to C substitution at nucleotide position 893. The phenylalanine at codon 298 is replaced by serine, an amino acid with highly dissimilar properties. This amino acid position is conserved. In addition, the in silico prediction for this alteration is inconclusive. Since supporting evidence is limited at this time, the clinical significance of this alteration remains unclear.

NM_022436.3(ABCG5):c.893T>C (p.Phe298Ser)

Genes: ABCG5 (ATP binding cassette subfamily G member 5; minus strand), DYNC2LI1 (dynein cytoplasmic 2 light intermediate chain 1; plus strand). Cytogenetic location: 2p21.
Variant type: single nucleotide variant.
Coding change: c.893T>C on transcript NM_022436.3 (MANE Select); coding-DNA position 893, T replaced by C.
Protein change: p.Phe298Ser; replaces phenylalanine 298 with serine.
Molecular consequence: missense variant. On other transcripts: intron variant (2).
Genome position (GRCh38, 1-based): chr2:43,824,900, A>G on the plus strand (T>C on the coding strand, the complement: ABCG5 is on the minus strand). VCF-style: chr2-43824900-A-G. GRCh37 (hg19) VCF-style: chr2-44052039-A-G.
Other names: c.*16-2486A>G (NM_001348913.2, NM_001348912.2); short protein forms F298S.
Identifiers: ClinVar variation 2449163 (VCV002449163.3), dbSNP rs377520529, ClinGen allele CA1636479.